The following is an entry in ClinVar:

ClinVar aggregate classification (germline): Pathogenic (1 of 4 stars; one submission).

Conditions:
Coffin-Lowry syndrome (CLS). Also called: COFFIN-LOWRY SYNDROME, MILD; Mental retardation with osteocartilaginous abnormalities. Identifiers: Orphanet 192, MedGen C0265252, MONDO:0010561, OMIM 303600.
Intellectual developmental disorder, X-linked 19. Also called: Intellectual disability, X-linked 19. Identifiers: Orphanet 777, MedGen C0796225, MONDO:0010447, OMIM 300844.

Submission:

Labcorp Genetics (formerly Invitae), Labcorp
Classification: Pathogenic for Coffin-Lowry syndrome; Intellectual developmental disorder, X-linked 19. Last evaluated: 2018-07-25. Review status: criteria provided, single submitter. Criteria: Invitae Variant Classification Sherloc (09022015). Collection method: clinical testing. Allele origin: germline.
Comment: This variant is not present in population databases (ExAC no frequency). This sequence change creates a premature translational stop signal (p.Gln666*) in the RPS6KA3 gene. It is expected to result in an absent or disrupted protein product. This variant has not been reported in the literature in individuals with RPS6KA3-related disease. Loss-of-function variants in RPS6KA3 are known to be pathogenic (PMID: 11180593, 15668050). For these reasons, this variant has been classified as Pathogenic.

Literature cited by the submitters: PubMed 11180593 (cited by Labcorp Genetics (formerly Invitae), Labcorp); PubMed 15668050 (cited by Labcorp Genetics (formerly Invitae), Labcorp).

NM_004586.3(RPS6KA3):c.1996C>T (p.Gln666Ter)

Gene: RPS6KA3 (ribosomal protein S6 kinase A3; minus strand). Cytogenetic location: Xp22.12.
Variant type: single nucleotide variant.
Coding change: c.1996C>T on transcript NM_004586.3 (MANE Select); coding-DNA position 1996, C replaced by T.
Protein change: p.Gln666Ter; replaces glutamine 666 with a stop codon.
Molecular consequence: nonsense.
Genome position (GRCh38, 1-based): chrX:20,156,213, G>A on the plus strand (C>T on the coding strand, the complement: RPS6KA3 is on the minus strand). VCF-style: chrX-20156213-G-A. GRCh37 (hg19) VCF-style: chrX-20174331-G-A.
Other names: short protein forms Q666*.
Identifiers: ClinVar variation 652883 (VCV000652883.9), dbSNP rs1603417440, ClinGen allele CA412512720.